The following is an entry in ClinVar:

NM_001323289.2(CDKL5):c.2180T>C (p.Phe727Ser)

Gene: CDKL5 (cyclin dependent kinase like 5; plus strand). Cytogenetic location: Xp22.13.
Variant type: single nucleotide variant.
Coding change: c.2180T>C on transcript NM_001323289.2 (MANE Select); coding-DNA position 2180, T replaced by C.
Protein change: p.Phe727Ser; replaces phenylalanine 727 with serine.
Molecular consequence: missense variant.
Genome position (GRCh38, 1-based): chrX:18,613,179, T>C. VCF-style: chrX-18613179-T-C. GRCh37 (hg19) VCF-style: chrX-18631299-T-C.
Other names: c.2180T>C, p.Phe727Ser (NM_001037343.2, NM_003159.3); short protein forms F727S.
Identifiers: ClinVar variation 3750317 (VCV003750317.2).

ClinVar aggregate classification (germline): Uncertain significance (1 of 4 stars; one submission).

Conditions:
Developmental and epileptic encephalopathy, 2 (DEE2). Also called: CDKL5 deficiency disorder; INFANTILE SPASM SYNDROME, X-LINKED 2. Identifiers: Orphanet 1934, Orphanet 3451, Orphanet 505652, MedGen C4750718, MONDO:0010396, OMIM 300672.
Angelman syndrome-like. Identifiers: MedGen CN128785.

gnomAD v4.1: 1 of 1,199,650 alleles (0.000083%); highest among the groups gnomAD compares: African/African-American, 0.0017%; no homozygotes.

Submission:

Labcorp Genetics (formerly Invitae), Labcorp
Classification: Uncertain significance for Developmental and epileptic encephalopathy, 2; Angelman syndrome-like. Last evaluated: 2024-09-30. Review status: criteria provided, single submitter. Criteria: Invitae Variant Classification Sherloc (09022015). Collection method: clinical testing. Allele origin: germline.
Comment: This sequence change replaces phenylalanine, which is neutral and non-polar, with serine, which is neutral and polar, at codon 727 of the CDKL5 protein (p.Phe727Ser). This variant is not present in population databases (gnomAD no frequency). This variant has not been reported in the literature in individuals affected with CDKL5-related conditions. Invitae Evidence Modeling of protein sequence and biophysical properties (such as structural, functional, and spatial information, amino acid conservation, physicochemical variation, residue mobility, and thermodynamic stability) indicates that this missense variant is not expected to disrupt CDKL5 protein function with a negative predictive value of 95%. In summary, the available evidence is currently insufficient to determine the role of this variant in disease. Therefore, it has been classified as a Variant of Uncertain Significance.